The following is an entry in ClinVar:

NM_032217.5(ANKRD17):c.7187G>T (p.Gly2396Val)

Gene: ANKRD17 (ankyrin repeat domain 17; minus strand). Cytogenetic location: 4q13.3.
Variant type: single nucleotide variant.
Coding change: c.7187G>T on transcript NM_032217.5 (MANE Select); coding-DNA position 7187, G replaced by T.
Protein change: p.Gly2396Val; replaces glycine 2396 with valine.
Molecular consequence: missense variant.
Genome position (GRCh38, 1-based): chr4:73,078,863, C>A on the plus strand (G>T on the coding strand, the complement: ANKRD17 is on the minus strand). VCF-style: chr4-73078863-C-A. GRCh37 (hg19) VCF-style: chr4-73944580-C-A.
Other names: c.6848G>T, p.Gly2283Val (NM_001286771.3); c.7184G>T, p.Gly2395Val (NM_015574.2); c.6434G>T, p.Gly2145Val (NM_198889.3); short protein forms G2145V, G2283V, G2395V, G2396V.
Identifiers: ClinVar variation 4071638 (VCV004071638.1).

ClinVar aggregate classification (germline): Uncertain significance (1 of 4 stars; one submission).

Submission:

GeneDx
Classification: Uncertain significance. Last evaluated: 2025-01-21. Review status: criteria provided, single submitter. Criteria: GeneDx Variant Classification Process June 2021. Collection method: clinical testing. Allele origin: germline. Affected: yes.
Comment: Not observed at significant frequency in large population cohorts (gnomAD); In silico analysis supports that this missense variant has a deleterious effect on protein structure/function; Has not been previously published as pathogenic or benign to our knowledge